The following is an entry in ClinVar:

ClinVar aggregate classification (germline): Likely pathogenic (1 of 4 stars; one submission).

Conditions:
Inborn genetic diseases. Identifiers: MedGen C0950123, MeSH D030342.

Submission:

Ambry Genetics
Classification: Likely pathogenic for Inborn genetic diseases. Last evaluated: 2025-05-02. Review status: criteria provided, single submitter. Criteria: Ambry Variant Classification Scheme 2023. Collection method: clinical testing. Allele origin: germline.
Comment: The c.1029-3C>A intronic alteration results from a C to A substitution 3 nucleotides before coding exon 8 of the SCN1A gene. for autosomal dominant Dravet syndrome; however, its clinical significance for autosomal dominant SCN1A-related generalized epilepsy with febrile seizures plus, autosomal dominant SCN1A-related developmental and epileptic encephalopathy, and autosomal dominant SCN1A-related hemiplegic migraine is uncertain. This variant was not reported in population-based cohorts in the Genome Aggregation Database (gnomAD). This variant was determined to be de novo in at least one individual with features consistent with Dravet syndrome (Jiang, 2018). This nucleotide position is not well conserved in available vertebrate species. In silico splice site analysis predicts that this alteration will weaken the native splice acceptor site. Based on the available evidence, this alteration is classified as likely pathogenic.

Literature cited by the submitters: PubMed 30558019.

NM_001165963.4(SCN1A):c.1029-3C>A

Gene: SCN1A (sodium voltage-gated channel alpha subunit 1; minus strand). Cytogenetic location: 2q24.3.
Variant type: single nucleotide variant.
Coding change: c.1029-3C>A on transcript NM_001165963.4 (MANE Select); 3 bases into the intron before coding-DNA position 1029, C replaced by A.
Molecular consequence: intron variant.
Genome position (GRCh38, 1-based): chr2:166,047,771, G>T on the plus strand (C>A on the coding strand, the complement: SCN1A is on the minus strand). VCF-style: chr2-166047771-G-T. GRCh37 (hg19) VCF-style: chr2-166904281-G-T.
Other names: c.1029-3C>A (NM_001353949.2, NM_001353958.2, NM_001353950.2 and 10 more transcripts); c.-1397-3C>A (NM_001353961.2).
Identifiers: ClinVar variation 3950919 (VCV003950919.1).